The following is an entry in ClinVar:

ClinVar aggregate classification (germline): Uncertain significance (1 of 4 stars; one submission).

Submission:

Labcorp Genetics (formerly Invitae), Labcorp
Classification: Uncertain significance. Last evaluated: 2026-01-11. Review status: criteria provided, single submitter. Criteria: Invitae Variant Classification Sherloc (09022015). Collection method: clinical testing. Allele origin: germline.
Comment: This variant, c.1621_1622insCGG, results in the insertion of 1 amino acid(s) of the BCL11B protein (p.Glu540_Glu541insAla), but otherwise preserves the integrity of the reading frame. This variant is not present in population databases (gnomAD no frequency). This variant has not been reported in the literature in individuals affected with BCL11B-related conditions. In summary, the available evidence is currently insufficient to determine the role of this variant in disease. Therefore, it has been classified as a Variant of Uncertain Significance.

NM_138576.4(BCL11B):c.1621_1622insCGG (p.Glu540_Glu541insAla)

Gene: BCL11B (BCL11 transcription factor B; minus strand). Cytogenetic location: 14q32.2.
Variant type: Insertion.
Coding change: c.1621_1622insCGG on transcript NM_138576.4 (MANE Select); coding-DNA positions 1621 to 1622, CGG inserted.
Protein change: p.Glu540_Glu541insAla.
Molecular consequence: inframe insertion.
Genome position: GRCh38 VCF-style: chr14-99175214-T-TCCG. GRCh37 (hg19) VCF-style: chr14-99641551-T-TCCG.
Other names: c.1618_1619insCGG, p.Glu539_Glu540insAla (NM_001282237.2); c.1405_1406insCGG, p.Glu468_Glu469insAla (NM_001282238.2); c.1408_1409insCGG, p.Glu469_Glu470insAla (NM_022898.3).
Identifiers: ClinVar variation 4735067 (VCV004735067.1).